The following is an entry in ClinVar:

NM_001148.6(ANK2):c.6906C>T (p.Thr2302=)

Genes: ANK2 (ankyrin 2; plus strand), LOC126807137 (CDK7 strongly-dependent group 2 enhancer GRCh37_chr4:114276560-114277759; plus strand). Cytogenetic location: 4q26.
Variant type: single nucleotide variant.
Coding change: c.6906C>T on transcript NM_001148.6 (MANE Select); coding-DNA position 6906, C replaced by T.
Protein change: p.Thr2302=; no amino-acid change (threonine 2302 retained).
Molecular consequence: synonymous variant. On other transcripts: intron variant (68).
Genome position (GRCh38, 1-based): chr4:113,355,524, C>T. VCF-style: chr4-113355524-C-T. GRCh37 (hg19) VCF-style: chr4-114276680-C-T.
Other names: c.6672C>T, p.Thr2224= (NM_001386142.1); c.3306C>T, p.Thr1102= (NM_001386166.1); c.7047C>T, p.Thr2349= (NM_001386174.1); c.7023C>T, p.Thr2341= (NM_001386175.1); c.4411+5275C>T (NM_001386186.2, NM_001386148.2); c.4213+5275C>T (NM_001354269.3); c.4291+5275C>T (NM_001386187.2); c.4252+5275C>T (NM_001386147.1); and 35 more.
Identifiers: ClinVar variation 263766 (VCV000263766.21), dbSNP rs139910215, ClinGen allele CA3051490.

ClinVar aggregate classification (germline): Benign/Likely benign. Review status: criteria provided, multiple submitters, no conflicts (2 of 4 stars). 7 submissions from 7 submitters: Benign (3); Likely benign (3). 1 of the submissions does not count toward it. Last evaluated 2026-01-07.

Conditions:
ANK2-related disorder. Also called: ANK2-related condition.
Cardiovascular phenotype. Identifiers: MedGen CN230736.
Long QT syndrome (LQTS). Identifiers: MedGen C0023976, MeSH D008133, MONDO:0002442. Disease mechanism: loss of function. Inheritance: Various modes of inheritance.
Cardiac arrhythmia, ankyrin-B-related. Also called: ANKYRIN-B SYNDROME. Identifiers: Orphanet 101016, Orphanet 768, MedGen C1970119, MONDO:0010958, OMIM 600919.

Allele frequency attached by ClinVar (database versions not stated): gnomAD exomes 0.00010 and 0.00031; ExAC 0.00040; 1000 Genomes Project 0.00120; ESP Exome Variant Server 0.00123; gnomAD 0.00123 and 0.00133; 1000 Genomes Project 30x 0.00125; TOPMed 0.00136.
gnomAD v4.1: 351 of 1,614,016 alleles (0.022%); highest among the groups gnomAD compares: African/African-American, 0.41%; 1 homozygote.

Submissions (7):

Labcorp Genetics (formerly Invitae), Labcorp
Classification: Benign for Long QT syndrome. Last evaluated: 2026-01-07. Review status: criteria provided, single submitter. Criteria: Invitae Variant Classification Sherloc (09022015). Collection method: clinical testing. Allele origin: germline.

Women's Health and Genetics/Laboratory Corporation of America, LabCorp
Classification: Benign. Last evaluated: 2025-03-24. Review status: criteria provided, single submitter. Criteria: LabCorp Variant Classification Summary - May 2015. Collection method: clinical testing. Allele origin: germline.

Blueprint Genetics
Classification: Likely benign. Last evaluated: 2024-08-21. Review status: criteria provided, single submitter. Criteria: ACMG Guidelines, 2015. Collection method: clinical testing. Allele origin: germline.

Genome-Nilou Lab
Classification: Benign for Cardiac arrhythmia, ankyrin-B-related. Last evaluated: 2021-12-05. Review status: criteria provided, single submitter. Criteria: ACMG Guidelines, 2015. Collection method: clinical testing. Allele origin: germline. Affected: no.

GeneDx
Classification: Likely benign. Last evaluated: 2020-10-14. Review status: criteria provided, single submitter. Criteria: GeneDx Variant Classification Process June 2021. Collection method: clinical testing. Allele origin: germline. Affected: yes.

Ambry Genetics
Classification: Likely benign for Cardiovascular phenotype. Last evaluated: 2019-07-05. Review status: criteria provided, single submitter. Criteria: Ambry Variant Classification Scheme 2023. Collection method: clinical testing. Allele origin: germline.

PreventionGenetics, part of Exact Sciences
Classification: Benign for ANK2-related condition. Last evaluated: 2019-11-19. Review status: no assertion criteria provided. Collection method: clinical testing. Allele origin: germline. Not counted in ClinVar's aggregate classification.
Comment: This variant is classified as benign based on ACMG/AMP sequence variant interpretation guidelines (Richards et al. 2015 PMID: 25741868, with internal and published modifications).